The following is an entry in ClinVar:

NM_000088.4(COL1A1):c.2668-7C>T

Gene: COL1A1 (collagen type I alpha 1 chain; minus strand). Cytogenetic location: 17q21.33.
Variant type: single nucleotide variant.
Coding change: c.2668-7C>T on transcript NM_000088.4 (MANE Select); 7 bases into the intron before coding-DNA position 2668, C replaced by T.
Molecular consequence: intron variant.
Genome position (GRCh38, 1-based): chr17:50,189,545, G>A on the plus strand (C>T on the coding strand, the complement: COL1A1 is on the minus strand). VCF-style: chr17-50189545-G-A. GRCh37 (hg19) VCF-style: chr17-48266906-G-A.
Identifiers: ClinVar variation 513680 (VCV000513680.1), dbSNP rs1555572488, ClinGen allele CA658798892.

ClinVar aggregate classification (germline): Likely benign (1 of 4 stars; one submission).

Allele frequency attached by ClinVar (database versions not stated): gnomAD exomes below 0.00001.
gnomAD v4.1: 2 of 1,613,558 alleles (0.00012%); highest among the groups gnomAD compares: South Asian, 0.0011%; no homozygotes.

Submission:

GeneDx
Classification: Likely benign. Last evaluated: 2017-12-01. Review status: criteria provided, single submitter. Criteria: GeneDx Variant Classification (06012015). Collection method: clinical testing. Allele origin: germline. Affected: yes.
Comment: This variant is considered likely benign or benign based on one or more of the following criteria: it is a conservative change, it occurs at a poorly conserved position in the protein, it is predicted to be benign by multiple in silico algorithms, and/or has population frequency not consistent with disease.